The following is an entry in ClinVar:

NM_017763.6(RNF43):c.329A>G (p.Glu110Gly)

Gene: RNF43 (ring finger protein 43; minus strand). Cytogenetic location: 17q22.
Variant type: single nucleotide variant.
Coding change: c.329A>G on transcript NM_017763.6 (MANE Select); coding-DNA position 329, A replaced by G.
Protein change: p.Glu110Gly; replaces glutamic acid 110 with glycine.
Molecular consequence: missense variant. On other transcripts: 5 prime UTR variant (2).
Genome position (GRCh38, 1-based): chr17:58,370,957, T>C on the plus strand (A>G on the coding strand, the complement: RNF43 is on the minus strand). VCF-style: chr17-58370957-T-C. GRCh37 (hg19) VCF-style: chr17-56448318-T-C.
Other names: c.329A>G, p.Glu110Gly (NM_001438821.1, NM_001438822.1, NM_001305544.3 and 1 more transcripts); c.-53A>G (NM_001305545.2, NM_001437987.1); short protein forms E110G.
Identifiers: ClinVar variation 4578975 (VCV004578975.1).
Genomic context (GRCh38, chr17:58,370,957, plus strand): 5'-AAGTGTGAGTCTACCTTGCTAGCCAGTGACAGGCAGGGGCGGGGGGCCCGTCGAGGACTC[T>C]CCAGCTTGACGATGCTGATGAATCCAGGCTCCAGATTGTCGTCATCACTGGCATTGCACA-3'
Protein context (NP_060233.3, residues 100-120): EPGFISIVKL[Glu110Gly]SPRRAPRPCL

ClinVar aggregate classification (germline): Uncertain significance (1 of 4 stars; one submission).

Submission:

Ambry Genetics
Classification: Uncertain significance. Last evaluated: 2025-10-22. Review status: criteria provided, single submitter. Criteria: Ambry Variant Classification Scheme 2023. Collection method: clinical testing. Allele origin: germline.
Comment: The p.E110G variant (also known as c.329A>G), located in coding exon 2 of the RNF43 gene, results from an A to G substitution at nucleotide position 329. The glutamic acid at codon 110 is replaced by glycine, an amino acid with similar properties. This amino acid position is conserved. In addition, the in silico prediction for this alteration is inconclusive. Based on the available evidence, the clinical significance of this variant remains unclear.